The following is an entry in ClinVar:

ClinVar aggregate classification (germline): Likely benign. Review status: criteria provided, multiple submitters, no conflicts (2 of 4 stars). 4 submissions from 4 submitters: Likely benign (4). Last evaluated 2025-12-30.

Conditions:
EGFR-related disorder. Also called: EGFR-related condition.
Hereditary cancer-predisposing syndrome. Also called: Neoplastic Syndromes, Hereditary; Hereditary Cancer Syndrome; Tumor predisposition; Hereditary neoplastic syndrome. Identifiers: Orphanet 140162, MedGen C0027672, MeSH D009386, MONDO:0015356.
EGFR-related lung cancer (EGFR). Identifiers: MedGen CN130014.

Allele frequency attached by ClinVar (database versions not stated): TOPMed 0.00006.
gnomAD v4.1: 42 of 1,613,864 alleles (0.0026%); highest among the groups gnomAD compares: Admixed American, 0.005%; no homozygotes.

Submissions (4):

Labcorp Genetics (formerly Invitae), Labcorp
Classification: Likely benign for EGFR-related lung cancer. Last evaluated: 2025-12-30. Review status: criteria provided, single submitter. Criteria: Invitae Variant Classification Sherloc (09022015). Collection method: clinical testing. Allele origin: germline.

PreventionGenetics, part of Exact Sciences
Classification: Likely benign for EGFR-related condition. Last evaluated: 2025-06-19. Review status: criteria provided, single submitter. Criteria: ACMG Guidelines, 2015. Collection method: clinical testing. Allele origin: germline.
Comment: This variant is classified as likely benign based on ACMG/AMP sequence variant interpretation guidelines (Richards et al. 2015 PMID: 25741868, with internal and published modifications).

Ambry Genetics
Classification: Likely benign for Hereditary cancer-predisposing syndrome. Last evaluated: 2025-03-02. Review status: criteria provided, single submitter. Criteria: Ambry Variant Classification Scheme 2023. Collection method: clinical testing. Allele origin: germline.

ARUP Laboratories, Molecular Genetics and Genomics, ARUP Laboratories
Classification: Likely benign. Last evaluated: 2023-09-18. Review status: criteria provided, single submitter. Criteria: ARUP Molecular Germline Variant Investigation Process 2024. Collection method: clinical testing. Allele origin: germline.

NM_005228.5(EGFR):c.438C>T (p.Gly146=)

Gene: EGFR (epidermal growth factor receptor; plus strand). Cytogenetic location: 7p11.2.
Variant type: single nucleotide variant.
Coding change: c.438C>T on transcript NM_005228.5 (MANE Select); coding-DNA position 438, C replaced by T.
Protein change: p.Gly146=; no amino-acid change (glycine 146 retained).
Molecular consequence: synonymous variant. On other transcripts: intron variant (3).
Genome position (GRCh38, 1-based): chr7:55,146,619, C>T. VCF-style: chr7-55146619-C-T. GRCh37 (hg19) VCF-style: chr7-55214312-C-T.
Other names: c.438C>T (NM_005228.4); c.438C>T, p.Gly146= (NM_001346898.2, NM_201282.2, NM_201283.2 and 1 more transcripts); c.279C>T, p.Gly93= (NM_001346900.2); c.424+3131C>T (NM_001346899.2, NM_001346897.2); c.89-9211C>T (NM_001346941.2).
Identifiers: ClinVar variation 847281 (VCV000847281.9), dbSNP rs199637112, ClinGen allele CA4265220.